The following is an entry in ClinVar:

NM_001458.5(FLNC):c.4970G>A (p.Arg1657Gln)

Gene: FLNC (filamin C; plus strand). Cytogenetic location: 7q32.1.
Variant type: single nucleotide variant.
Coding change: c.4970G>A on transcript NM_001458.5 (MANE Select); coding-DNA position 4970, G replaced by A.
Protein change: p.Arg1657Gln; replaces arginine 1657 with glutamine.
Molecular consequence: missense variant.
Genome position (GRCh38, 1-based): chr7:128,849,349, G>A. VCF-style: chr7-128849349-G-A. GRCh37 (hg19) VCF-style: chr7-128489403-G-A.
Other names: p.Arg1657Gln; c.4970G>A, p.Arg1657Gln (NM_001127487.2); short protein forms R1657Q.
Identifiers: ClinVar variation 472082 (VCV000472082.18), dbSNP rs374294752, ClinGen allele CA4475534.

ClinVar aggregate classification (germline): Conflicting classifications of pathogenicity. Review status: criteria provided, conflicting classifications (1 of 4 stars). 8 submissions from 8 submitters: Uncertain significance (6); Likely benign (2). Last evaluated 2026-05-26.

Conditions:
FLNC-related disorder. Also called: FLNC-related disorders; FLNC-related condition.
Myofibrillar myopathy 5. Also called: FILAMINOPATHY, AUTOSOMAL DOMINANT; Filaminopathy (type). Identifiers: Orphanet 171445, MedGen C1836050, MONDO:0012289, OMIM 609524.
Hypertrophic cardiomyopathy 26. Also called: Cardiomyopathy, familial hypertrophic, 26. Identifiers: Orphanet 75249, MedGen C4310749, MONDO:0014883, OMIM 617047.
Distal myopathy with posterior leg and anterior hand involvement. Also called: WILLIAMS DISTAL MYOPATHY. Identifiers: Orphanet 63273, MedGen C3279722, MONDO:0013550, OMIM 614065.
Cardiovascular phenotype. Identifiers: MedGen CN230736.
Cardiomyopathy (CMYO). Also called: Cardiomyopathies. Identifiers: Orphanet 167848, MedGen C0878544, MONDO:0004994, HP:0001638. Inheritance: Various modes of inheritance.

Allele frequency attached by ClinVar (database versions not stated): gnomAD 0.00003; TOPMed 0.00004; ESP Exome Variant Server 0.00016; ExAC 0.00020.
gnomAD v4.1: 92 of 1,613,968 alleles (0.0057%); highest among the groups gnomAD compares: Non-Finnish European, 0.0057%; no homozygotes.

Submissions (8):

PreventionGenetics, part of Exact Sciences
Classification: Uncertain significance for FLNC-related condition. Last evaluated: 2026-05-26. Review status: criteria provided, single submitter. Criteria: ACMG Guidelines, 2015. Collection method: clinical testing. Allele origin: germline.
Comment: The FLNC c.4970G>A variant is predicted to result in the amino acid substitution p.Arg1657Gln. To our knowledge, this variant has not been reported in the literature. This variant is reported in 0.024% of alleles in individuals of European (Finnish) descent in gnomAD and has conflicting interpretations regarding its pathogenicity in ClinVar, ranging from likely benign to uncertain (Variation ID: 472082). Although we suspect that this variant may be benign, at this time, the clinical significance of this variant is uncertain due to the absence of conclusive functional and genetic evidence.

Labcorp Genetics (formerly Invitae), Labcorp
Classification: Likely benign for Distal myopathy with posterior leg and anterior hand involvement; Myofibrillar myopathy 5; Hypertrophic cardiomyopathy 26. Last evaluated: 2026-01-28. Review status: criteria provided, single submitter. Criteria: Invitae Variant Classification Sherloc (09022015). Collection method: clinical testing. Allele origin: germline.

Mayo Clinic Laboratories, Mayo Clinic
Classification: Uncertain significance. Last evaluated: 2025-01-12. Review status: criteria provided, single submitter. Criteria: ACMG Guidelines, 2015. Collection method: clinical testing. Allele origin: germline. Observed: 1 variant allele.

Blueprint Genetics
Classification: Likely benign. Last evaluated: 2024-02-21. Review status: criteria provided, single submitter. Criteria: ACMG Guidelines, 2015. Collection method: clinical testing. Allele origin: germline.

ARUP Laboratories, Molecular Genetics and Genomics, ARUP Laboratories
Classification: Uncertain significance. Last evaluated: 2023-11-09. Review status: criteria provided, single submitter. Criteria: ARUP Molecular Germline Variant Investigation Process 2024. Collection method: clinical testing. Allele origin: germline.
Comment: The FLNC c.4970G>A; p.Arg1657Gln variant (rs374294752) is reported in the literature in one individual affected with hypokalemic periodic paralysis and in one healthy individual (Krutish 2023, Sagray 2022). This variant is also reported in ClinVar (Variation ID: 472082). This variant is found in the general population with an overall allele frequency of 0.01% (29/280592 alleles) in the Genome Aggregation Database (v2.1.1). Computational analyses are uncertain whether this variant is neutral or deleterious (REVEL: 0.277). Due to limited information, the clinical significance of the p.Arg1657Gln variant is uncertain at this time. References: Krutish A et al. A novel WFS1 variant associated with isolated congenital cataracts. Cold Spring Harb Mol Case Stud. 2023 Mar 24;9(1):a006259. PMID: 36781206. Sagray E et al. Cardiac arrhythmias in primary hypokalemic periodic paralysis: Case report and literature review. HeartRhythm Case Rep. 2022 May 21;8(10):719-723. PMID: 36310724.

CHEO Genetics Diagnostic Laboratory, Children's Hospital of Eastern Ontario
Classification: Uncertain significance for Cardiomyopathy. Last evaluated: 2023-05-29. Review status: criteria provided, single submitter. Criteria: ACMG Guidelines, 2015. Collection method: clinical testing. Allele origin: germline.

Ambry Genetics
Classification: Uncertain significance for Cardiovascular phenotype. Last evaluated: 2023-02-27. Review status: criteria provided, single submitter. Criteria: Ambry Variant Classification Scheme 2023. Collection method: clinical testing. Allele origin: germline.
Comment: The p.R1657Q variant (also known as c.4970G>A), located in coding exon 30 of the FLNC gene, results from a G to A substitution at nucleotide position 4970. The arginine at codon 1657 is replaced by glutamine, an amino acid with highly similar properties. This amino acid position is not well conserved in available vertebrate species. In addition, this alteration is predicted to be tolerated by in silico analysis. Since supporting evidence is limited at this time, the clinical significance of this alteration remains unclear.

Revvity Omics, Revvity
Classification: Uncertain significance. Last evaluated: 2021-10-06. Review status: criteria provided, single submitter. Criteria: ACMG Guidelines, 2015. Collection method: clinical testing. Allele origin: germline.

Literature cited by the submitters: PubMed 36310724 (cited by Mayo Clinic Laboratories, Mayo Clinic); PubMed 37937776 (cited by Mayo Clinic Laboratories, Mayo Clinic).